The following is an entry in ClinVar:

NM_000038.6(APC):c.2239T>C (p.Ser747Pro)

Gene: APC (APC regulator of Wnt signaling pathway; plus strand). Cytogenetic location: 5q22.2.
Variant type: single nucleotide variant.
Coding change: c.2239T>C on transcript NM_000038.6 (MANE Select); coding-DNA position 2239, T replaced by C.
Protein change: p.Ser747Pro; replaces serine 747 with proline.
Molecular consequence: missense variant.
Genome position (GRCh38, 1-based): chr5:112,837,833, T>C. VCF-style: chr5-112837833-T-C. GRCh37 (hg19) VCF-style: chr5-112173530-T-C.
Other names: c.2239T>C, p.Ser747Pro (NM_001127510.3, NM_001354895.2); c.2185T>C, p.Ser729Pro (NM_001127511.3); c.2293T>C, p.Ser765Pro (NM_001354896.2); c.2269T>C, p.Ser757Pro (NM_001354897.2); c.2164T>C, p.Ser722Pro (NM_001354898.2); c.2155T>C, p.Ser719Pro (NM_001354899.2); c.2116T>C, p.Ser706Pro (NM_001354900.2); c.2062T>C, p.Ser688Pro (NM_001354901.2); and 5 more; short protein forms S464P, S688P, S729P, S587P, S747P, S765P, S621P, S656P.
Identifiers: ClinVar variation 937958 (VCV000937958.13), dbSNP rs1765139909, ClinGen allele CA16026238.

ClinVar aggregate classification (germline): Uncertain significance. Review status: criteria provided, multiple submitters, no conflicts (2 of 4 stars). 3 submissions from 3 submitters: Uncertain significance (3). Last evaluated 2024-10-07.

Conditions:
Hereditary cancer-predisposing syndrome. Also called: Tumor predisposition; Hereditary neoplastic syndrome; Hereditary Cancer Syndrome; Neoplastic Syndromes, Hereditary. Identifiers: Orphanet 140162, MedGen C0027672, MeSH D009386, MONDO:0015356.
Familial adenomatous polyposis 1 (FAP1). Also called: POLYPOSIS, ADENOMATOUS INTESTINAL; FAMILIAL ADENOMATOUS POLYPOSIS 1, ATTENUATED. Identifiers: MedGen C2713442, MONDO:0021056, OMIM 175100. Disease mechanism: loss of function.

Allele frequency attached by ClinVar (database versions not stated): gnomAD exomes below 0.00001.
gnomAD v4.1: 1 of 1,614,028 alleles (0.000062%); highest among the groups gnomAD compares: Non-Finnish European, 0.000085%; no homozygotes.

Submissions (3):

Molecular Diagnostics Laboratory, Catalan Institute of Oncology
Classification: Uncertain significance for Hereditary cancer-predisposing syndrome. Last evaluated: 2024-10-07. Review status: criteria provided, single submitter. Criteria: ClinGen ACMG Specifications APC V1.0.0. Collection method: clinical testing. Allele origin: germline.
Comment: PM2_supporting, BP1 c.2239T>C, located in exon 15 of the APC gene, is predicted to result in the substitution of Serine by Proline at codon 747, p.(Ser747Pro) (BP1). It is not present in the population database gnomAD v2.1.1, non cancer dataset (PM2_supporting). The SpliceAI algorithm predicts no significant impact on splicing. To our knowledge, neither relevant clinical data nor well-stablished functional studies have been reported for this variant. It has been reported twice in ClinVar, as an uncertain significance. Based on the currently available information, c.2239T>C is classified as an uncertain significance variant according to ClinGen-APC Guidelines version 1.

Ambry Genetics
Classification: Uncertain significance for Hereditary cancer-predisposing syndrome. Last evaluated: 2024-02-12. Review status: criteria provided, single submitter. Criteria: Ambry Variant Classification Scheme 2023. Collection method: clinical testing. Allele origin: germline.
Comment: The p.S747P variant (also known as c.2239T>C), located in coding exon 15 of the APC gene, results from a T to C substitution at nucleotide position 2239. The serine at codon 747 is replaced by proline, an amino acid with similar properties. This amino acid position is conserved. In addition, in silico predictors for this gene do not accurately predict pathogenicity. Based on the available evidence, the clinical significance of this alteration remains unclear.

Labcorp Genetics (formerly Invitae), Labcorp
Classification: Uncertain significance for Familial adenomatous polyposis 1. Last evaluated: 2023-05-26. Review status: criteria provided, single submitter. Criteria: Invitae Variant Classification Sherloc (09022015). Collection method: clinical testing. Allele origin: germline.
Comment: This sequence change replaces serine, which is neutral and polar, with proline, which is neutral and non-polar, at codon 747 of the APC protein (p.Ser747Pro). In summary, the available evidence is currently insufficient to determine the role of this variant in disease. Therefore, it has been classified as a Variant of Uncertain Significance. Advanced modeling of protein sequence and biophysical properties (such as structural, functional, and spatial information, amino acid conservation, physicochemical variation, residue mobility, and thermodynamic stability) performed at Invitae indicates that this missense variant is not expected to disrupt APC protein function. ClinVar contains an entry for this variant (Variation ID: 937958). This variant has not been reported in the literature in individuals affected with APC-related conditions. This variant is not present in population databases (gnomAD no frequency).